The following is an entry in ClinVar:

NM_001029883.3(PCARE):c.3321C>G (p.Asp1107Glu)

Gene: PCARE (photoreceptor cilium actin regulator; minus strand). Cytogenetic location: 2p23.2.
Variant type: single nucleotide variant.
Coding change: c.3321C>G on transcript NM_001029883.3 (MANE Select); coding-DNA position 3321, C replaced by G.
Protein change: p.Asp1107Glu; replaces aspartic acid 1107 with glutamic acid.
Molecular consequence: missense variant.
Genome position (GRCh38, 1-based): chr2:29,070,941, G>C on the plus strand (C>G on the coding strand, the complement: PCARE is on the minus strand). VCF-style: chr2-29070941-G-C. GRCh37 (hg19) VCF-style: chr2-29293807-G-C.
Other names: short protein forms D1107E.
Identifiers: ClinVar variation 1011019 (VCV001011019.10), dbSNP rs913676404, ClinGen allele CA346475359.

ClinVar aggregate classification (germline): Uncertain significance (1 of 4 stars; one submission).

Allele frequency attached by ClinVar (database versions not stated): gnomAD exomes below 0.00001.

Submission:

Labcorp Genetics (formerly Invitae), Labcorp
Classification: Uncertain significance. Last evaluated: 2022-07-06. Review status: criteria provided, single submitter. Criteria: Invitae Variant Classification Sherloc (09022015). Collection method: clinical testing. Allele origin: germline.
Comment: This sequence change replaces aspartic acid, which is acidic and polar, with glutamic acid, which is acidic and polar, at codon 1107 of the PCARE protein (p.Asp1107Glu). This variant is not present in population databases (gnomAD no frequency). This variant has not been reported in the literature in individuals affected with PCARE-related conditions. ClinVar contains an entry for this variant (Variation ID: 1011019). Algorithms developed to predict the effect of missense changes on protein structure and function output the following: SIFT: "Tolerated"; PolyPhen-2: "Possibly Damaging"; Align-GVGD: "Class C0". The glutamic acid amino acid residue is found in multiple mammalian species, which suggests that this missense change does not adversely affect protein function. In summary, the available evidence is currently insufficient to determine the role of this variant in disease. Therefore, it has been classified as a Variant of Uncertain Significance.